The following is an entry in ClinVar:

ClinVar aggregate classification (germline): Likely benign. Review status: criteria provided, multiple submitters, no conflicts (2 of 4 stars). 2 submissions from 2 submitters: Likely benign (2). Last evaluated 2026-09-01.

gnomAD v4.1: 461 of 1,597,130 alleles (0.029%); highest among the groups gnomAD compares: Non-Finnish European, 0.037%; 1 homozygote.

Submissions (2):

CeGaT Center for Human Genetics Tuebingen
Classification: Likely benign. Last evaluated: 2026-09-01. Review status: criteria provided, single submitter. Criteria: CeGaT Center For Human Genetics Tuebingen Variant Classification Criteria Version 2. Collection method: clinical testing. Allele origin: germline. Affected: yes. Observed: 1 variant allele.
Comment: ZMYM2: BP4

Laboratory of Genetics, Children's Clinical University Hospital Latvia
Classification: Likely benign. Last evaluated: 2025-02-16. Review status: criteria provided, single submitter. Criteria: ACMG Guidelines, 2015. Collection method: clinical testing. Allele origin: germline. Affected: yes.

NM_197968.4(ZMYM2):c.3941+8T>C

Gene: ZMYM2 (zinc finger MYM-type containing 2; plus strand). Cytogenetic location: 13q12.11.
Variant type: single nucleotide variant.
Coding change: c.3941+8T>C on transcript NM_197968.4 (MANE Select); 8 bases into the intron after coding-DNA position 3941, T replaced by C.
Molecular consequence: intron variant.
Genome position (GRCh38, 1-based): chr13:20,083,784, T>C. VCF-style: chr13-20083784-T-C. GRCh37 (hg19) VCF-style: chr13-20657924-T-C.
Other names: c.3680+8T>C (NM_001353163.2); c.3941+8T>C (NM_001353157.2, NM_001353164.2, NM_001353159.2 and 4 more transcripts); c.3746+8T>C (NM_001353161.3).
Identifiers: ClinVar variation 3911017 (VCV003911017.2).
Genomic context (GRCh38, chr13:20,083,784, plus strand): 5'-GCCAATCCTTCCAGATGTCCTGTGAAAATGTTTGAATGCTACTTGTCTAAAAGGTGAGTG[T>C]TAATGATACTTAACTTTTAAAAATGTTGGTAGAAGTTGGCTGGTTTAAATTTAACATTAC-3'